The following is an entry in ClinVar:

NM_001122769.3(LCA5):c.2083G>A (p.Ala695Thr)

Gene: LCA5 (lebercilin LCA5; minus strand). Cytogenetic location: 6q14.1.
Variant type: single nucleotide variant.
Coding change: c.2083G>A on transcript NM_001122769.3 (MANE Select); coding-DNA position 2083, G replaced by A.
Protein change: p.Ala695Thr; replaces alanine 695 with threonine.
Molecular consequence: missense variant.
Genome position (GRCh38, 1-based): chr6:79,487,015, C>T on the plus strand (G>A on the coding strand, the complement: LCA5 is on the minus strand). VCF-style: chr6-79487015-C-T. GRCh37 (hg19) VCF-style: chr6-80196732-C-T.
Other names: c.2083G>A, p.Ala695Thr (NM_181714.4); short protein forms A695T.
Identifiers: ClinVar variation 861637 (VCV000861637.4), dbSNP rs186454340, ClinGen allele CA3900725.

ClinVar aggregate classification (germline): Uncertain significance. Review status: criteria provided, single submitter (1 of 4 stars). 2 submissions from 2 submitters: Uncertain significance (1). 1 of the submissions does not count toward it. Last evaluated 2022-07-12.

Conditions:
Leber congenital amaurosis 5 (LCA5). Also called: Amaurosis congenita of Leber, type 5. Identifiers: Orphanet 65, MedGen C1858301, MONDO:0011473, OMIM 604537.

Allele frequency attached by ClinVar (database versions not stated): gnomAD exomes 0.00001 and 0.00007; TOPMed 0.00002; ExAC 0.00005; 1000 Genomes Project 0.00020; 1000 Genomes Project 30x 0.00031; gnomAD 0.00001.
gnomAD v4.1: 21 of 1,612,908 alleles (0.0013%); highest among the groups gnomAD compares: Admixed American, 0.032%; no homozygotes.

Submissions (2):

Labcorp Genetics (formerly Invitae), Labcorp
Classification: Uncertain significance. Last evaluated: 2022-07-12. Review status: criteria provided, single submitter. Criteria: Invitae Variant Classification Sherloc (09022015). Collection method: clinical testing. Allele origin: germline.
Comment: This sequence change replaces alanine, which is neutral and non-polar, with threonine, which is neutral and polar, at codon 695 of the LCA5 protein (p.Ala695Thr). This variant is present in population databases (rs186454340, gnomAD 0.05%). This variant has not been reported in the literature in individuals affected with LCA5-related conditions. ClinVar contains an entry for this variant (Variation ID: 861637). Algorithms developed to predict the effect of missense changes on protein structure and function output the following: SIFT: "Tolerated"; PolyPhen-2: "Benign"; Align-GVGD: "Class C0". The threonine amino acid residue is found in multiple mammalian species, which suggests that this missense change does not adversely affect protein function. In summary, the available evidence is currently insufficient to determine the role of this variant in disease. Therefore, it has been classified as a Variant of Uncertain Significance.

Natera, Inc.
Classification: Uncertain significance for Leber congenital amaurosis type 5. Last evaluated: 2020-09-22. Review status: no assertion criteria provided. Collection method: clinical testing. Allele origin: germline. Not counted in ClinVar's aggregate classification.